The following is an entry in ClinVar:

NM_005609.4(PYGM):c.1969+277G>A

Gene: PYGM (glycogen phosphorylase, muscle associated; minus strand). Cytogenetic location: 11q13.1.
Variant type: single nucleotide variant.
Coding change: c.1969+277G>A on transcript NM_005609.4 (MANE Select); 277 bases into the intron after coding-DNA position 1969, G replaced by A.
Molecular consequence: intron variant.
Genome position (GRCh38, 1-based): chr11:64,751,048, C>T on the plus strand (G>A on the coding strand, the complement: PYGM is on the minus strand). VCF-style: chr11-64751048-C-T. GRCh37 (hg19) VCF-style: chr11-64518520-C-T.
Other names: c.1705+277G>A (NM_001164716.1).
Identifiers: ClinVar variation 680729 (VCV000680729.1), dbSNP rs2071320, ClinGen allele CA223898078.

ClinVar aggregate classification (germline): Benign (1 of 4 stars; one submission).

Allele frequency attached by ClinVar (database versions not stated): gnomAD 0.13369; TOPMed 0.15242; 1000 Genomes Project 0.19828; 1000 Genomes Project 30x 0.20019.
gnomAD v4.1: 56,276 of 436,992 alleles (13%); highest among the groups gnomAD compares: East Asian, 39%; 5,108 homozygotes.

Submission:

GeneDx
Classification: Benign. Last evaluated: 2018-06-18. Review status: criteria provided, single submitter. Criteria: GeneDx Variant Classification (06012015). Collection method: clinical testing. Allele origin: germline. Affected: yes.
Comment: This variant is considered likely benign or benign based on one or more of the following criteria: it is a conservative change, it occurs at a poorly conserved position in the protein, it is predicted to be benign by multiple in silico algorithms, and/or has population frequency not consistent with disease.